The following is an entry in ClinVar:

ClinVar aggregate classification (germline): Pathogenic (1 of 4 stars; one submission).

Conditions:
Mitochondrial hypertrophic cardiomyopathy with lactic acidosis due to MTO1 deficiency. Also called: Combined oxidative phosphorylation deficiency 10; CARDIOMYOPATHY, INFANTILE HYPERTROPHIC MITOCHONDRIAL, AND LACTIC ACIDOSIS. Identifiers: Orphanet 314637, MedGen C4749921, MONDO:0013865, OMIM 614702.

Submission:

Labcorp Genetics (formerly Invitae), Labcorp
Classification: Pathogenic for Mitochondrial hypertrophic cardiomyopathy with lactic acidosis due to MTO1 deficiency. Last evaluated: 2023-05-01. Review status: criteria provided, single submitter. Criteria: Invitae Variant Classification Sherloc (09022015). Collection method: clinical testing. Allele origin: germline.
Comment: For these reasons, this variant has been classified as Pathogenic. This variant has not been reported in the literature in individuals affected with MTO1-related conditions. This variant is present in population databases (no rsID available, gnomAD 0.006%). This sequence change creates a premature translational stop signal (p.Ser80Leufs*9) in the MTO1 gene. It is expected to result in an absent or disrupted protein product. Loss-of-function variants in MTO1 are known to be pathogenic (PMID: 22608499, 25058219).

Literature cited by the submitters: PubMed 22608499; PubMed 25058219.

NM_012123.4(MTO1):c.239_242del (p.Ser80fs)

Gene: MTO1 (mitochondrial tRNA translation optimization 1; plus strand). Cytogenetic location: 6q13.
Variant type: Microsatellite.
Coding change: c.239_242del on transcript NM_012123.4 (MANE Select); coding-DNA positions 239 to 242, 4 bases deleted (CCTT; older notation c.239_242delCCTT).
Protein change: p.Ser80fs; shifts the reading frame from serine 80.
Molecular consequence: frameshift variant.
Genome position (GRCh38, 1-based): chr6:73,466,230-73,466,233, CCTT deleted; deleting any 4 consecutive bases within chr6:73,466,225-73,466,233 gives the same sequence; the c. name uses the placement nearest the transcript's 3' end. VCF-style (leftmost placement, unchanged base first): chr6-73466224-ATCCT-A. GRCh37 (hg19) VCF-style: chr6-74175947-ATCCT-A.
Other names: c.239_242del, p.Ser80fs (NM_133645.3, NM_001123226.2); short protein forms S80fs.
Identifiers: ClinVar variation 2858104 (VCV002858104.3), dbSNP rs1411375176, ClinGen allele CA567682777.